The following is an entry in ClinVar:

ClinVar aggregate classification (germline): Uncertain significance. Review status: criteria provided, multiple submitters, no conflicts (2 of 4 stars). 9 submissions from 9 submitters: Uncertain significance (9). Last evaluated 2026-01-26.

Conditions:
Catecholaminergic polymorphic ventricular tachycardia (CVPT). Also called: Catecholamine-induced polymorphic ventricular tachycardia. Identifiers: Orphanet 3286, MedGen C5574922, MONDO:0017990.
Cardiovascular phenotype. Identifiers: MedGen CN230736.
Cardiomyopathy (CMYO). Also called: Cardiomyopathies. Identifiers: Orphanet 167848, MedGen C0878544, MONDO:0004994, HP:0001638. Inheritance: Various modes of inheritance.
Catecholaminergic polymorphic ventricular tachycardia 1. Also called: RYR2-Related Catecholaminergic Polymorphic Ventricular Tachycardia; VENTRICULAR TACHYCARDIA, CATECHOLAMINERGIC POLYMORPHIC, 1, WITH OR WITHOUT ATRIAL DYSFUNCTION AND/OR DILATED CARDIOMYOPATHY; VENTRICULAR TACHYCARDIA, STRESS-INDUCED POLYMORPHIC 1. Identifiers: Orphanet 3286, MedGen C1631597, MONDO:0011484, OMIM 604772.

Allele frequency attached by ClinVar (database versions not stated): gnomAD 0.00001 and 0.00002; gnomAD exomes 0.00002 and 0.00007; TOPMed 0.00002; ExAC 0.00004; ESP Exome Variant Server 0.00008.
gnomAD v4.1: 117 of 1,589,480 alleles (0.0074%); highest among the groups gnomAD compares: Non-Finnish European, 0.009%; no homozygotes.

Submissions (9):

Labcorp Genetics (formerly Invitae), Labcorp
Classification: Uncertain significance for Catecholaminergic polymorphic ventricular tachycardia 1. Last evaluated: 2026-01-26. Review status: criteria provided, single submitter. Criteria: Invitae Variant Classification Sherloc (09022015). Collection method: clinical testing. Allele origin: germline.
Comment: This sequence change replaces glutamine, which is neutral and polar, with histidine, which is basic and polar, at codon 3422 of the RYR2 protein (p.Gln3422His). This variant is present in population databases (rs368064371, gnomAD 0.004%). This variant has not been reported in the literature in individuals affected with RYR2-related conditions. ClinVar contains an entry for this variant (Variation ID: 201395). Invitae Evidence Modeling of protein sequence and biophysical properties (such as structural, functional, and spatial information, amino acid conservation, physicochemical variation, residue mobility, and thermodynamic stability) indicates that this missense variant is expected to disrupt RYR2 protein function with a positive predictive value of 95%. In summary, the available evidence is currently insufficient to determine the role of this variant in disease. Therefore, it has been classified as a Variant of Uncertain Significance.

Color Diagnostics, LLC DBA Color Health
Classification: Uncertain significance for Cardiomyopathy. Last evaluated: 2025-11-20. Review status: criteria provided, single submitter. Criteria: ACMG Guidelines, 2015. Collection method: clinical testing. Allele origin: germline.
Comment: This missense variant replaces glutamine with histidine at codon 3422 of the RYR2 protein. Computational predictions are inconclusive regarding the impact of this variant on protein structure and function. To our knowledge, functional studies have not been reported for this variant. This variant has been reported in a control individual who had no history of cardiac arrhythmia (PMID: 35819174). This variant has been identified in 117/1589480 chromosomes in the general population by the Genome Aggregation Database (gnomAD). The available evidence is insufficient to determine the role of this variant in disease conclusively. Therefore, this variant is classified as a Variant of Uncertain Significance.

CeGaT Center for Human Genetics Tuebingen
Classification: Uncertain significance. Last evaluated: 2025-01-01. Review status: criteria provided, single submitter. Criteria: CeGaT Center For Human Genetics Tuebingen Variant Classification Criteria Version 2. Collection method: clinical testing. Allele origin: germline. Affected: yes. Observed: 1 variant allele.
Comment: RYR2: PP3

Blueprint Genetics
Classification: Uncertain significance. Last evaluated: 2024-09-07. Review status: criteria provided, single submitter. Criteria: ACMG Guidelines, 2015. Collection method: clinical testing. Allele origin: germline.

All of Us Research Program, National Institutes of Health
Classification: Uncertain significance for Catecholaminergic polymorphic ventricular tachycardia. Last evaluated: 2024-05-30. Review status: criteria provided, single submitter. Criteria: ACMG Guidelines, 2015. Collection method: clinical testing. Allele origin: germline. Inheritance: Autosomal dominant inheritance. Observed: 13 variant alleles, 13 heterozygotes.
Comment: This missense variant replaces glutamine with histidine at codon 3422 of the RYR2 protein. Computational prediction suggests that this variant may have deleterious impact on protein structure and function (internally defined REVEL score threshold >= 0.7, PMID: 27666373). To our knowledge, functional studies have not been reported for this variant. This variant has been reported in a control individual who had no history of cardiac arrhythmia (PMID: 35819174). This variant has been identified in 4/241568 chromosomes in the general population by the Genome Aggregation Database (gnomAD). The available evidence is insufficient to determine the role of this variant in disease conclusively. Therefore, this variant is classified as a Variant of Uncertain Significance.

This study involves interpretation of variants in research participants for the purpose of population health screening. Participant phenotype was not available at the time of variant classification. Additional details can be found in publication PMID: 35346344, PMCID: PMC8962531

Women's Health and Genetics/Laboratory Corporation of America, LabCorp
Classification: Uncertain significance. Last evaluated: 2022-11-18. Review status: criteria provided, single submitter. Criteria: LabCorp Variant Classification Summary - May 2015. Collection method: clinical testing. Allele origin: germline.
Comment: Variant summary: RYR2 c.10266G>C (p.Gln3422His) results in a non-conservative amino acid change in the encoded protein sequence. Five of five in-silico tools predict a damaging effect of the variant on protein function. The variant allele was found at a frequency of 1.7e-05 in 241568 control chromosomes. The available data on variant occurrences in the general population are insufficient to allow any conclusion about variant significance. To our knowledge, no occurrence of c.10266G>C in individuals affected with Catecholaminergic Polymorphic Ventricular Tachycardia and no experimental evidence demonstrating its impact on protein function have been reported. Four clinical diagnostic laboratories have submitted clinical-significance assessments for this variant to ClinVar after 2014 without evidence for independent evaluation. All laboratories classified the variant as uncertain significance. Based on the evidence outlined above, the variant was classified as uncertain significance.

GeneDx
Classification: Uncertain significance. Last evaluated: 2022-01-25. Review status: criteria provided, single submitter. Criteria: GeneDx Variant Classification Process June 2021. Collection method: clinical testing. Allele origin: germline. Affected: yes.
Comment: Has not been previously published as pathogenic or benign to our knowledge; Reported in ClinVar as a variant of uncertain significance (ClinVar Variant ID# 201395; ClinVar); Not observed at a significant frequency in large population cohorts (gnomAD); In silico analysis supports that this missense variant has a deleterious effect on protein structure/function; Not located in one of the three hot-spot regions of the RYR2 gene, where the majority of pathogenic missense variants occur (Medeiros-Domingo et al., 2009)

Ambry Genetics
Classification: Uncertain significance for Cardiovascular phenotype. Last evaluated: 2020-01-29. Review status: criteria provided, single submitter. Criteria: Ambry Variant Classification Scheme 2023. Collection method: clinical testing. Allele origin: germline.
Comment: The p.Q3422H variant (also known as c.10266G>C), located in coding exon 71 of the RYR2 gene, results from a G to C substitution at nucleotide position 10266. The glutamine at codon 3422 is replaced by histidine, an amino acid with highly similar properties. This amino acid position is well conserved in available vertebrate species. In addition, the in silico prediction for this alteration is inconclusive. Since supporting evidence is limited at this time, the clinical significance of this alteration remains unclear.

CHEO Genetics Diagnostic Laboratory, Children's Hospital of Eastern Ontario
Classification: Uncertain significance for Cardiomyopathy. Last evaluated: 2018-03-02. Review status: criteria provided, single submitter. Criteria: ACMG Guidelines, 2015. Collection method: clinical testing. Allele origin: germline.

Literature cited by the submitters: PubMed 35819174 (cited by 3 submitters); PubMed 25041964 (cited by Women's Health and Genetics/Laboratory Corporation of America, LabCorp).

NM_001035.3(RYR2):c.10266G>C (p.Gln3422His)

Gene: RYR2 (ryanodine receptor 2; plus strand). Cytogenetic location: 1q43.
Variant type: single nucleotide variant.
Coding change: c.10266G>C on transcript NM_001035.3 (MANE Select); coding-DNA position 10266, G replaced by C.
Protein change: p.Gln3422His; replaces glutamine 3422 with histidine.
Molecular consequence: missense variant.
Genome position (GRCh38, 1-based): chr1:237,711,780, G>C. VCF-style: chr1-237711780-G-C. GRCh37 (hg19) VCF-style: chr1-237875080-G-C.
Other names: p.Q3422H:CAG>CAC; c.10266G>C, p.Gln3422His (LRG_402t1); short protein forms Q3422H.
Identifiers: ClinVar variation 201395 (VCV000201395.42), dbSNP rs368064371, ClinGen allele CA006595.